The following is an entry in ClinVar:

NM_000138.5(FBN1):c.3413G>T (p.Cys1138Phe)

Gene: FBN1 (fibrillin 1; minus strand). Cytogenetic location: 15q21.1.
Variant type: single nucleotide variant.
Coding change: c.3413G>T on transcript NM_000138.5 (MANE Select); coding-DNA position 3413, G replaced by T.
Protein change: p.Cys1138Phe; replaces cysteine 1138 with phenylalanine.
Molecular consequence: missense variant.
Genome position (GRCh38, 1-based): chr15:48,487,362, C>A on the plus strand (G>T on the coding strand, the complement: FBN1 is on the minus strand). VCF-style: chr15-48487362-C-A. GRCh37 (hg19) VCF-style: chr15-48779559-C-A.
Other names: short protein forms C1138F.
Identifiers: ClinVar variation 42333 (VCV000042333.21), dbSNP rs397515791, ClinGen allele CA014085.

ClinVar aggregate classification (germline): Pathogenic/Likely pathogenic. Review status: criteria provided, multiple submitters, no conflicts (2 of 4 stars). 3 submissions from 3 submitters: Pathogenic (2); Likely pathogenic (1). Last evaluated 2025-02-18.

Conditions:
Marfan syndrome (MFS). Also called: FBN1-Related Marfan Syndrome; Marfan syndrome, classic; MARFAN SYNDROME, TYPE I; Marfan syndrome type 1; Marfan's syndrome. Identifiers: Orphanet 284963, Orphanet 558, MedGen C0024796, MONDO:0007947, OMIM 154700.
Familial thoracic aortic aneurysm and aortic dissection (TAAD). Also called: Thoracic aortic aneurysms and dissections. Identifiers: Orphanet 91387, MedGen C4707243, MONDO:0019625.

Submissions (3):

Labcorp Genetics (formerly Invitae), Labcorp
Classification: Pathogenic for Marfan syndrome; Familial thoracic aortic aneurysm and aortic dissection. Last evaluated: 2025-02-18. Review status: criteria provided, single submitter. Criteria: Invitae Variant Classification Sherloc (09022015). Collection method: clinical testing. Allele origin: germline.
Comment: This sequence change replaces cysteine, which is neutral and slightly polar, with phenylalanine, which is neutral and non-polar, at codon 1138 of the FBN1 protein (p.Cys1138Phe). This variant is not present in population databases (gnomAD no frequency). This missense change has been observed in individuals with Marfan syndrome (PMID: 35058154; internal data). ClinVar contains an entry for this variant (Variation ID: 42333). Invitae Evidence Modeling of protein sequence and biophysical properties (such as structural, functional, and spatial information, amino acid conservation, physicochemical variation, residue mobility, and thermodynamic stability) indicates that this missense variant is expected to disrupt FBN1 protein function with a positive predictive value of 95%. This variant affects a cysteine residue in the EGF-like, TGFBP or hybrid motif domains of FBN1. Cysteine residues are believed to be involved in intramolecular disulfide bridges and have been shown to be important for FBN1 protein structure (PMID: 16905551, 19349279). In addition, missense substitutions affecting cysteine residues within these domains are significantly overrepresented among patients with Marfan syndrome (PMID: 16571647, 17701892). For these reasons, this variant has been classified as Pathogenic.

Centre of Medical Genetics, University of Antwerp
Classification: Pathogenic for Marfan syndrome. Last evaluated: 2021-03-01. Review status: criteria provided, single submitter. Criteria: Submitter's publication. Collection method: research. Allele origin: unknown. Affected: yes.
Comment: PM2, PVS2, PP4

Laboratory for Molecular Medicine, Mass General Brigham Personalized Medicine
Classification: Likely pathogenic for Marfan syndrome. Last evaluated: 2010-12-06. Review status: criteria provided, single submitter. Criteria: LMM Criteria. Collection method: clinical testing. Allele origin: germline. Observed: 1 variant allele.
Comment: The 3413G>T (Cys1138Phe) variant has not been previously reported in the literat ure or been identified by our laboratory. Four other variants at this amino aci d position, Cys1138Arg, Cys1138Gly, Cys1138Tyr, and Cys1138Ser, have been report ed in individuals with clinical features consistent with Marfan syndrome (Sthene ur 2009, Comeglio 2009). This variant affects a cysteine residue and cysteine su bstitutions are a common finding in individuals with Marfan syndrome (Schrijver 1999). Cystine at amino acid position 3413 is highly conserved across different species. Therefore, this variant is likely to be pathogenic.

Literature cited by the submitters: PubMed 35058154 (cited by Labcorp Genetics (formerly Invitae), Labcorp); PubMed 16905551 (cited by Labcorp Genetics (formerly Invitae), Labcorp); PubMed 19349279 (cited by Labcorp Genetics (formerly Invitae), Labcorp); PubMed 16571647 (cited by Labcorp Genetics (formerly Invitae), Labcorp); PubMed 17701892 (cited by Labcorp Genetics (formerly Invitae), Labcorp); PubMed 19293843 (cited by Laboratory for Molecular Medicine, Mass General Brigham Personalized Medicine); PubMed 17657824 (cited by Laboratory for Molecular Medicine, Mass General Brigham Personalized Medicine); PubMed 12511552 (cited by Laboratory for Molecular Medicine, Mass General Brigham Personalized Medicine); PubMed 10486319 (cited by Laboratory for Molecular Medicine, Mass General Brigham Personalized Medicine).